The following is an entry in ClinVar:

NM_001077350.3(NPRL3):c.472C>T (p.Arg158Cys)

Genes: HBA-LCR (alpha-globin locus control region; plus strand), NPRL3 (NPR3 like, GATOR1 complex subunit; minus strand). Cytogenetic location: 16p13.3.
Variant type: single nucleotide variant.
Coding change: c.472C>T on transcript NM_001077350.3 (MANE Select); coding-DNA position 472, C replaced by T.
Protein change: p.Arg158Cys; replaces arginine 158 with cysteine.
Molecular consequence: missense variant. On other transcripts: 5 prime UTR variant (1).
Genome position (GRCh38, 1-based): chr16:112,697, G>A on the plus strand (C>T on the coding strand, the complement: NPRL3 is on the minus strand). VCF-style: chr16-112697-G-A. GRCh37 (hg19) VCF-style: chr16-162696-G-A.
Other names: c.-66C>T (NM_001039476.3); c.238C>T, p.Arg80Cys (NM_001243247.2); c.397C>T, p.Arg133Cys (NM_001243248.2, NM_001243249.2); short protein forms R133C, R158C, R80C.
Identifiers: ClinVar variation 2897132 (VCV002897132.4), dbSNP rs775239262, ClinGen allele CA7769653.

ClinVar aggregate classification (germline): Conflicting classifications of pathogenicity. Review status: criteria provided, conflicting classifications (1 of 4 stars). 2 submissions from 2 submitters: Uncertain significance (1); Likely benign (1). Last evaluated 2025-08-20.

Conditions:
Epilepsy, familial focal, with variable foci 3 (FFEVF3). Identifiers: MedGen C4310708, MONDO:0014925, OMIM 617118.

Allele frequency attached by ClinVar (database versions not stated): TOPMed below 0.00001; ExAC 0.00002.
gnomAD v4.1: 9 of 1,610,856 alleles (0.00056%); highest among the groups gnomAD compares: South Asian, 0.0011%; no homozygotes.

Submissions (2):

Labcorp Genetics (formerly Invitae), Labcorp
Classification: Uncertain significance for Epilepsy, familial focal, with variable foci 3. Last evaluated: 2025-08-20. Review status: criteria provided, single submitter. Criteria: Invitae Variant Classification Sherloc (09022015). Collection method: clinical testing. Allele origin: germline.
Comment: This sequence change replaces arginine, which is basic and polar, with cysteine, which is neutral and slightly polar, at codon 158 of the NPRL3 protein (p.Arg158Cys). The frequency data for this variant in the population databases is considered unreliable, as metrics indicate poor data quality at this position in the gnomAD database. This variant has not been reported in the literature in individuals affected with NPRL3-related conditions. ClinVar contains an entry for this variant (Variation ID: 2897132). Invitae Evidence Modeling of protein sequence and biophysical properties (such as structural, functional, and spatial information, amino acid conservation, physicochemical variation, residue mobility, and thermodynamic stability) indicates that this missense variant is not expected to disrupt NPRL3 protein function with a negative predictive value of 80%. In summary, the available evidence is currently insufficient to determine the role of this variant in disease. Therefore, it has been classified as a Variant of Uncertain Significance.

Blueprint Genetics
Classification: Likely benign. Last evaluated: 2024-02-27. Review status: criteria provided, single submitter. Criteria: ACMG Guidelines, 2015. Collection method: clinical testing. Allele origin: germline.